The following is an entry in ClinVar:

ClinVar aggregate classification (germline): Likely benign (0 of 4 stars; one submission).

Conditions:
PKD1L1-related disorder. Also called: PKD1L1-related condition.

Allele frequency attached by ClinVar (database versions not stated): TOPMed 0.00003; gnomAD 0.00005.
gnomAD v4.1: 155 of 1,614,058 alleles (0.0096%); highest among the groups gnomAD compares: South Asian, 0.16%; 1 homozygote.

Submission:

PreventionGenetics, part of Exact Sciences
Classification: Likely benign for PKD1L1-related condition. Last evaluated: 2024-02-12. Review status: no assertion criteria provided. Collection method: clinical testing. Allele origin: germline.
Comment: This variant is classified as likely benign based on ACMG/AMP sequence variant interpretation guidelines (Richards et al. 2015 PMID: 25741868, with internal and published modifications).

NM_138295.5(PKD1L1):c.994G>A (p.Val332Ile)

Gene: PKD1L1 (polycystin 1 like 1, transient receptor potential channel interacting; minus strand). Cytogenetic location: 7p12.3.
Variant type: single nucleotide variant.
Coding change: c.994G>A on transcript NM_138295.5 (MANE Select); coding-DNA position 994, G replaced by A.
Protein change: p.Val332Ile; replaces valine 332 with isoleucine.
Molecular consequence: missense variant.
Genome position (GRCh38, 1-based): chr7:47,929,270, C>T on the plus strand (G>A on the coding strand, the complement: PKD1L1 is on the minus strand). VCF-style: chr7-47929270-C-T. GRCh37 (hg19) VCF-style: chr7-47968867-C-T.
Other names: short protein forms V332I.
Identifiers: ClinVar variation 3033565 (VCV003033565.2), dbSNP rs777144385, ClinGen allele CA4254183.
Genomic context (GRCh38, chr7:47,929,270, plus strand): 5'-AGTACTGGTGGTAGGCAGTCACCGCCATTGCCTCAGACATGTTGTGTAGCCTCATTTCAA[C>T]CCCAGAACTGTCCCCGAAATCCATCATCAGACAGAGAGCCTCTCCAGAAGCCATATGAAC-3'
Protein context (NP_612152.1, residues 322-342): LMMDFGDSSG[Val332Ile]EMRLHNMSEA